The following is an entry in ClinVar:

ClinVar aggregate classification (germline): Likely pathogenic (1 of 4 stars; one submission).

Conditions:
Tuberous sclerosis 2 (TSC2). Identifiers: Orphanet 805, MedGen C1860707, MONDO:0013199, OMIM 613254.

Submission:

Dasa
Classification: Likely pathogenic for Tuberous sclerosis 2. Last evaluated: 2025-08-12. Review status: criteria provided, single submitter. Criteria: DASA Assertion Criteria. Collection method: clinical testing. Allele origin: germline.
Comment: NM_000548.5(TSC2):c.5293del (p.Leu1765Tyrfs*61) is a frameshift variant in TSC2 predicted to alter the reading frame and introduce a premature termination codon and is predicted to result in an absent or altered protein product. Loss of function is an established disease mechanism for TSC2 (PMID: 31525612; PMID: 10205261; PMID: 29932062). Also, this variant is absent from population databases. Based on the currently available evidence, this variant is classified as likely pathogenic.

Literature cited by the submitters: PubMed 31525612; PubMed 10205261; PubMed 29932062.

NM_000548.5(TSC2):c.5293del (p.Leu1765fs)

Gene: TSC2 (TSC complex subunit 2; plus strand). Cytogenetic location: 16p13.3.
Variant type: Deletion.
Coding change: c.5293del on transcript NM_000548.5 (MANE Select); coding-DNA position 5293, one base deleted (C; older notation c.5293delC).
Protein change: p.Leu1765fs; shifts the reading frame from leucine 1765.
Molecular consequence: frameshift variant. On other transcripts: non-coding transcript variant (5).
Genome position (GRCh38, 1-based): chr16:2,088,479, C deleted; the last of 2 consecutive C bases (chr16:2,088,478-2,088,479); deleting either gives the same sequence. VCF-style (leftmost placement, unchanged base first): chr16-2088477-GC-G. GRCh37 (hg19) VCF-style: chr16-2138478-GC-G.
Other names: c.5092del, p.Leu1698fs (NM_001077183.3); c.5224del, p.Leu1742fs (NM_001114382.3); c.4984del, p.Leu1662fs (NM_001318827.2); c.4948del, p.Leu1650fs (NM_001318829.2); c.4561del, p.Leu1521fs (NM_001318831.2); c.5125del, p.Leu1709fs (NM_001318832.2); c.5095del, p.Leu1699fs (NM_001363528.2); c.5161del, p.Leu1721fs (NM_001370404.1); and 27 more; short protein forms L1164fs, L1250fs, L1251fs, L1273fs, L1274fs, L1294fs, L1498fs, L1499fs.
Identifiers: ClinVar variation 4883943 (VCV004883943.2).